The following is an entry in ClinVar:

ClinVar aggregate classification (germline): Uncertain significance (1 of 4 stars; one submission).

Allele frequency attached by ClinVar (database versions not stated): ExAC 0.00001; gnomAD 0.00001; TOPMed 0.00001; gnomAD exomes 0.00002; ESP Exome Variant Server 0.00008.
gnomAD v4.1: 32 of 1,603,688 alleles (0.002%); highest among the groups gnomAD compares: African/African-American, 0.0027%; no homozygotes.

Submission:

GeneDx
Classification: Uncertain significance. Last evaluated: 2022-12-15. Review status: criteria provided, single submitter. Criteria: GeneDx Variant Classification Process June 2021. Collection method: clinical testing. Allele origin: germline. Affected: yes.
Comment: Not observed at significant frequency in large population cohorts (gnomAD); In silico analysis supports that this missense variant has a deleterious effect on protein structure/function; Has not been previously published as pathogenic or benign to our knowledge

NM_000158.4(GBE1):c.251G>A (p.Gly84Asp)

Gene: GBE1 (1,4-alpha-glucan branching enzyme 1; minus strand). Cytogenetic location: 3p12.2.
Variant type: single nucleotide variant.
Coding change: c.251G>A on transcript NM_000158.4 (MANE Select); coding-DNA position 251, G replaced by A.
Protein change: p.Gly84Asp; replaces glycine 84 with aspartic acid.
Molecular consequence: missense variant.
Genome position (GRCh38, 1-based): chr3:81,705,506, C>T on the plus strand (G>A on the coding strand, the complement: GBE1 is on the minus strand). VCF-style: chr3-81705506-C-T. GRCh37 (hg19) VCF-style: chr3-81754657-C-T.
Other names: short protein forms G84D.
Identifiers: ClinVar variation 2505698 (VCV002505698.1), dbSNP rs372017958, ClinGen allele CA2500028.